The following is an entry in ClinVar:

ClinVar aggregate classification (germline): Conflicting classifications of pathogenicity. Review status: criteria provided, conflicting classifications (1 of 4 stars). 8 submissions from 8 submitters: Uncertain significance (7); Likely benign (1). Last evaluated 2026-01-26.

Conditions:
Classic or attenuated familial adenomatous polyposis. Identifiers: MedGen CN372698, MONDO:0021057.
Hereditary cancer-predisposing syndrome. Also called: Tumor predisposition; Hereditary Cancer Syndrome; Neoplastic Syndromes, Hereditary; Hereditary neoplastic syndrome. Identifiers: Orphanet 140162, MedGen C0027672, MeSH D009386, MONDO:0015356.
Familial adenomatous polyposis 1 (FAP1). Also called: FAMILIAL ADENOMATOUS POLYPOSIS 1, ATTENUATED; POLYPOSIS, ADENOMATOUS INTESTINAL. Identifiers: MedGen C2713442, MONDO:0021056, OMIM 175100. Disease mechanism: loss of function.

Allele frequency attached by ClinVar (database versions not stated): gnomAD 0.00001; TOPMed 0.00002.
gnomAD v4.1: 1 of 1,613,948 alleles (0.000062%); highest among the groups gnomAD compares: Non-Finnish European, 0.000085%; no homozygotes.

Submissions (8):

Labcorp Genetics (formerly Invitae), Labcorp
Classification: Uncertain significance for Familial adenomatous polyposis 1. Last evaluated: 2026-01-26. Review status: criteria provided, single submitter. Criteria: Invitae Variant Classification Sherloc (09022015). Collection method: clinical testing. Allele origin: germline.
Comment: This sequence change replaces serine, which is neutral and polar, with isoleucine, which is neutral and non-polar, at codon 2262 of the APC protein (p.Ser2262Ile). This variant is present in population databases (no rsID available, gnomAD 0.0009%). This variant has not been reported in the literature in individuals affected with APC-related conditions. ClinVar contains an entry for this variant (Variation ID: 236635). Invitae Evidence Modeling of protein sequence and biophysical properties (such as structural, functional, and spatial information, amino acid conservation, physicochemical variation, residue mobility, and thermodynamic stability) indicates that this missense variant is not expected to disrupt APC protein function with a negative predictive value of 95%. In summary, the available evidence is currently insufficient to determine the role of this variant in disease. Therefore, it has been classified as a Variant of Uncertain Significance.

Molecular Pathology, Peter Maccallum Cancer Centre
Classification: Uncertain significance for Familial adenomatous polyposis 1. Last evaluated: 2024-10-07. Review status: criteria provided, single submitter. Criteria: ACMG Guidelines, 2015. Collection method: clinical testing. Allele origin: germline. Inheritance: Autosomal dominant inheritance.

Ambry Genetics
Classification: Likely benign for Hereditary cancer-predisposing syndrome. Last evaluated: 2024-07-16. Review status: criteria provided, single submitter. Criteria: Ambry Variant Classification Scheme 2023. Collection method: clinical testing. Allele origin: germline.

CeGaT Center for Human Genetics Tuebingen
Classification: Uncertain significance. Last evaluated: 2024-04-01. Review status: criteria provided, single submitter. Criteria: CeGaT Center For Human Genetics Tuebingen Variant Classification Criteria Version 2. Collection method: clinical testing. Allele origin: germline. Affected: yes. Observed: 1 variant allele.
Comment: APC: PM2, BP1, BP4

All of Us Research Program, National Institutes of Health
Classification: Uncertain significance for Classic or attenuated familial adenomatous polyposis. Last evaluated: 2023-12-01. Review status: criteria provided, single submitter. Criteria: ACMG Guidelines, 2015. Collection method: clinical testing. Allele origin: germline. Inheritance: Autosomal dominant inheritance. Observed: 3 variant alleles, 3 heterozygotes.
Comment: This missense variant replaces serine with isoleucine at codon 2262 of the APC protein. Computational prediction suggests that this variant may not impact protein structure and function (internally defined REVEL score threshold <= 0.5, PMID: 27666373). To our knowledge, functional studies have not been reported for this variant. This variant has not been reported in individuals affected with hereditary cancer in the literature. This variant has been identified in 1/251024 chromosomes in the general population by the Genome Aggregation Database (gnomAD). The available evidence is insufficient to determine the role of this variant in disease conclusively. Therefore, this variant is classified as a Variant of Uncertain Significance.

This study involves interpretation of variants in research participants for the purpose of population health screening. Participant phenotype was not available at the time of variant classification. Additional details can be found in publication PMID: 35346344, PMCID: PMC8962531

Blueprint Genetics
Classification: Uncertain significance. Last evaluated: 2022-06-21. Review status: criteria provided, single submitter. Criteria: ACMG Guidelines, 2015. Collection method: clinical testing. Allele origin: germline.

Color Diagnostics, LLC DBA Color Health
Classification: Uncertain significance for Hereditary cancer-predisposing syndrome. Last evaluated: 2021-10-29. Review status: criteria provided, single submitter. Criteria: ACMG Guidelines, 2015. Collection method: clinical testing. Allele origin: germline.
Comment: This missense variant replaces serine with isoleucine at codon 2262 of the APC protein. Computational prediction suggests that this variant may not impact protein structure and function (internally defined REVEL score threshold <= 0.5, PMID: 27666373). To our knowledge, functional studies have not been reported for this variant. This variant has not been reported in individuals affected with hereditary cancer in the literature. This variant has been identified in 1/251024 chromosomes in the general population by the Genome Aggregation Database (gnomAD). The available evidence is insufficient to determine the role of this variant in disease conclusively. Therefore, this variant is classified as a Variant of Uncertain Significance.

Sema4
Classification: Uncertain significance for Hereditary cancer-predisposing syndrome. Last evaluated: 2021-10-21. Review status: criteria provided, single submitter. Criteria: Sema4 Curation Guidelines. Collection method: curation. Allele origin: germline.
Comment: The APC c.6785G>T (p.S2262I) variant has not been reported in the literature to our knowledge. It was observed in 1/113408 chromosomes of the Non-Finnish European subpopulation in the large and broad cohorts of the Genome Aggregation Database (PMID: 32461654). The variant has been reported in ClinVar (Variation ID 236635). Functional studies have not been performed, and in silico predictions of the variant's effect on protein function are inconclusive. The evidence is insufficient to meet ACMG/AMP criteria for classifying the variant as benign or pathogenic. Thus, the clinical significance of this variant is currently uncertain.

NM_000038.6(APC):c.6785G>T (p.Ser2262Ile)

Gene: APC (APC regulator of Wnt signaling pathway; plus strand). Cytogenetic location: 5q22.2.
Variant type: single nucleotide variant.
Coding change: c.6785G>T on transcript NM_000038.6 (MANE Select); coding-DNA position 6785, G replaced by T.
Protein change: p.Ser2262Ile; replaces serine 2262 with isoleucine.
Molecular consequence: missense variant.
Genome position (GRCh38, 1-based): chr5:112,842,379, G>T. VCF-style: chr5-112842379-G-T. GRCh37 (hg19) VCF-style: chr5-112178076-G-T.
Other names: c.6785G>T, p.Ser2262Ile (NM_001127510.3, NM_001354895.2); c.6731G>T, p.Ser2244Ile (NM_001127511.3); c.6839G>T, p.Ser2280Ile (NM_001354896.2); c.6815G>T, p.Ser2272Ile (NM_001354897.2); c.6710G>T, p.Ser2237Ile (NM_001354898.2); c.6701G>T, p.Ser2234Ile (NM_001354899.2); c.6662G>T, p.Ser2221Ile (NM_001354900.2); c.6608G>T, p.Ser2203Ile (NM_001354901.2); and 5 more; short protein forms S2244I, S2262I, S2161I, S2203I, S2221I, S1979I, S2136I, S2171I.
Identifiers: ClinVar variation 236635 (VCV000236635.42), dbSNP rs878853465, ClinGen allele CA10582335.
Genomic context (GRCh38, chr5:112,842,379, plus strand): 5'-GTACAAGTCCTGTTTCTAAAAAAGGCCCACCCCTTAAGACTCCAGCCTCCAAAAGCCCTA[G>T]TGAAGGTCAAACAGCCACCACTTCTCCTAGAGGAGCCAAGCCATCTGTGAAATCAGAATT-3'
Protein context (NP_000029.2, residues 2252-2272): PLKTPASKSP[Ser2262Ile]EGQTATTSPR